The following is an entry in ClinVar:

ClinVar aggregate classification (germline): Uncertain significance (1 of 4 stars; one submission).

Conditions:
Desmin-related myofibrillar myopathy (MFM1). Also called: Desminopathy; Desmin related myopathy (former name); Desmin storage myopathy (former name); MYOFIBRILLAR MYOPATHY WITH ARRHYTHMOGENIC RIGHT VENTRICULAR CARDIOMYOPATHY; DESMIN-RELATED MYOPATHY WITH ARRHYTHMOGENIC RIGHT VENTRICULAR CARDIOMYOPATHY; Myofibrillar myopathy 1. Identifiers: Orphanet 363543, Orphanet 98909, MedGen C1832370, MONDO:0011076, OMIM 601419.

Submission:

Labcorp Genetics (formerly Invitae), Labcorp
Classification: Uncertain significance for Desmin-related myofibrillar myopathy. Last evaluated: 2024-06-03. Review status: criteria provided, single submitter. Criteria: Invitae Variant Classification Sherloc (09022015). Collection method: clinical testing. Allele origin: germline.
Comment: This sequence change replaces asparagine, which is neutral and polar, with lysine, which is basic and polar, at codon 182 of the DES protein (p.Asn182Lys). This variant is not present in population databases (gnomAD no frequency). This variant has not been reported in the literature in individuals affected with DES-related conditions. Advanced modeling of protein sequence and biophysical properties (such as structural, functional, and spatial information, amino acid conservation, physicochemical variation, residue mobility, and thermodynamic stability) has been performed at Invitae for this missense variant, however the output from this modeling did not meet the statistical confidence thresholds required to predict the impact of this variant on DES protein function. In summary, the available evidence is currently insufficient to determine the role of this variant in disease. Therefore, it has been classified as a Variant of Uncertain Significance.

NM_001927.4(DES):c.546C>G (p.Asn182Lys)

Gene: DES (desmin; plus strand). Cytogenetic location: 2q35.
Variant type: single nucleotide variant.
Coding change: c.546C>G on transcript NM_001927.4 (MANE Select); coding-DNA position 546, C replaced by G.
Protein change: p.Asn182Lys; replaces asparagine 182 with lysine.
Molecular consequence: missense variant. On other transcripts: intron variant (1).
Genome position (GRCh38, 1-based): chr2:219,419,008, C>G. VCF-style: chr2-219419008-C-G. GRCh37 (hg19) VCF-style: chr2-220283730-C-G.
Other names: c.546C>G, p.Asn182Lys (NM_001382708.1, NM_001382709.1, NM_001382710.1 and 2 more transcripts); c.495+51C>G (NM_001382713.1); short protein forms N182K.
Identifiers: ClinVar variation 3763686 (VCV003763686.2).